The following is an entry in ClinVar:

ClinVar aggregate classification (germline): Uncertain significance (1 of 4 stars; one submission).

gnomAD v4.1: 46 of 1,614,178 alleles (0.0028%); highest among the groups gnomAD compares: South Asian, 0.012%; 1 homozygote.

Submission:

Labcorp Genetics (formerly Invitae), Labcorp
Classification: Uncertain significance. Last evaluated: 2025-05-01. Review status: criteria provided, single submitter. Criteria: Invitae Variant Classification Sherloc (09022015). Collection method: clinical testing. Allele origin: germline.
Comment: This sequence change replaces arginine, which is basic and polar, with cysteine, which is neutral and slightly polar, at codon 220 of the APOA4 protein (p.Arg220Cys). This variant is present in population databases (rs375764097, gnomAD 0.03%). This variant has not been reported in the literature in individuals affected with APOA4-related conditions. Invitae Evidence Modeling of protein sequence and biophysical properties (such as structural, functional, and spatial information, amino acid conservation, physicochemical variation, residue mobility, and thermodynamic stability) indicates that this missense variant is expected to disrupt APOA4 protein function with a positive predictive value of 80%. In summary, the available evidence is currently insufficient to determine the role of this variant in disease. Therefore, it has been classified as a Variant of Uncertain Significance.

NM_000482.4(APOA4):c.658C>T (p.Arg220Cys)

Gene: APOA4 (apolipoprotein A4; minus strand). Cytogenetic location: 11q23.3.
Variant type: single nucleotide variant.
Coding change: c.658C>T on transcript NM_000482.4 (MANE Select); coding-DNA position 658, C replaced by T.
Protein change: p.Arg220Cys; replaces arginine 220 with cysteine.
Molecular consequence: missense variant.
Genome position (GRCh38, 1-based): chr11:116,821,400, G>A on the plus strand (C>T on the coding strand, the complement: APOA4 is on the minus strand). VCF-style: chr11-116821400-G-A. GRCh37 (hg19) VCF-style: chr11-116692116-G-A.
Other names: short protein forms R220C.
Identifiers: ClinVar variation 4741170 (VCV004741170.1).